The following is an entry in ClinVar:

ClinVar aggregate classification (germline): Uncertain significance (1 of 4 stars; one submission).

Conditions:
ALMS1-related disorder. Also called: ALMS1-related condition.

gnomAD v4.1: 2 of 1,613,994 alleles (0.00012%); highest among the groups gnomAD compares: South Asian, 0.0022%; no homozygotes.

Submission:

PreventionGenetics, part of Exact Sciences
Classification: Uncertain significance for ALMS1-related condition. Last evaluated: 2026-08-05. Review status: criteria provided, single submitter. Criteria: ACMG Guidelines, 2015. Collection method: clinical testing. Allele origin: germline.
Comment: The ALMS1 c.5687C>T variant is predicted to result in the amino acid substitution p.Ser1896Leu. To our knowledge, this variant has not been reported in the literature. This variant is reported in 0.0065% of alleles in individuals of African descent in gnomAD. At this time, the clinical significance of this variant is uncertain due to the absence of conclusive functional and genetic evidence.

NM_001378454.1(ALMS1):c.5684C>T (p.Ser1895Phe)

Gene: ALMS1 (ALMS1 centrosome and basal body associated protein; plus strand). Cytogenetic location: 2p13.1.
Variant type: single nucleotide variant.
Coding change: c.5684C>T on transcript NM_001378454.1 (MANE Select); coding-DNA position 5684, C replaced by T.
Protein change: p.Ser1895Phe; replaces serine 1895 with phenylalanine.
Molecular consequence: missense variant.
Genome position (GRCh38, 1-based): chr2:73,452,211, C>T. VCF-style: chr2-73452211-C-T. GRCh37 (hg19) VCF-style: chr2-73679338-C-T.
Other names: c.5687C>T, p.Ser1896Phe (NM_015120.4); short protein forms S1896F, S1895F.
Identifiers: ClinVar variation 4984590 (VCV004984590.1).